The following is an entry in ClinVar:

NM_152419.3(HGSNAT):c.272del (p.Pro91fs)

Gene: HGSNAT (heparan-alpha-glucosaminide N-acetyltransferase; plus strand). Cytogenetic location: 8p11.21.
Variant type: Deletion.
Coding change: c.272del on transcript NM_152419.3 (MANE Select); coding-DNA position 272, one base deleted (C; older notation c.272delC).
Protein change: p.Pro91fs; shifts the reading frame from proline 91.
Molecular consequence: frameshift variant. On other transcripts: 5 prime UTR variant (1).
Genome position (GRCh38, 1-based): chr8:43,158,612, C deleted; the last of 2 consecutive C bases (chr8:43,158,611-43,158,612); deleting either gives the same sequence. VCF-style (leftmost placement, unchanged base first): chr8-43158610-TC-T. GRCh37 (hg19) VCF-style: chr8-43013753-TC-T.
Other names: c.272del, p.Pro91fs (NM_001363227.2, NM_001363228.2); c.-562del (NM_001363229.2); short protein forms P91fs.
Identifiers: ClinVar variation 930599 (VCV000930599.4), dbSNP rs1803166641, ClinGen allele CA1139660499.

ClinVar aggregate classification (germline): Likely pathogenic. Review status: criteria provided, multiple submitters, no conflicts (2 of 4 stars). 2 submissions from 2 submitters: Likely pathogenic (2). Last evaluated 2024-06-25.

Conditions:
Mucopolysaccharidosis, MPS-III-C (MPS3C). Also called: mucopolysaccharidosis type 3C; MUCOPOLYSACCHARIDOSIS, TYPE IIIC; SANFILIPPO SYNDROME C; MPS III C; Mucopolysaccharidosis type IIIC (Sanfilippo C); MPS IIIC (Sanfilippo Syndrome Type C). Identifiers: Orphanet 581, Orphanet 79271, MedGen C0086649, MONDO:0009657, OMIM 252930.
Retinitis pigmentosa 73 (RP73). Identifiers: Orphanet 791, MedGen C4225287, MONDO:0014687, OMIM 616544.

Submissions (2):

Fulgent Genetics
Classification: Likely pathogenic for Mucopolysaccharidosis, MPS-III-C; Retinitis pigmentosa 73. Last evaluated: 2024-06-25. Review status: criteria provided, single submitter. Criteria: ACMG Guidelines, 2015. Collection method: clinical testing. Allele origin: germline.

Centre for Mendelian Genomics, University Medical Centre Ljubljana
Classification: Likely pathogenic for Retinitis pigmentosa 73. Last evaluated: 2019-12-17. Review status: criteria provided, single submitter. Criteria: ACMG Guidelines, 2015. Collection method: clinical testing. Allele origin: unknown. Affected: yes.
Comment: This variant was classified as: Likely pathogenic. The following ACMG criteria were applied in classifying this variant: PVS1,PM2.